The following is an entry in ClinVar:

NM_001395413.1(POR):c.1033del (p.Val345fs)

Genes: POR (cytochrome p450 oxidoreductase; plus strand), LOC126860075 (CDK7 strongly-dependent group 2 enhancer GRCh37_chr7:75612087-75613286; plus strand). Cytogenetic location: 7q11.23.
Variant type: Deletion.
Coding change: c.1033del on transcript NM_001395413.1 (MANE Select); coding-DNA position 1033, one base deleted (G; older notation c.1033delG).
Protein change: p.Val345fs; shifts the reading frame from valine 345.
Molecular consequence: frameshift variant.
Genome position (GRCh38, 1-based): chr7:75,983,832, G deleted. VCF-style (leftmost placement, unchanged base first): chr7-75983831-CG-C. GRCh37 (hg19) VCF-style: chr7-75613149-CG-C.
Other names: c.1033del, p.Val345fs (NM_001367562.3, NM_001382657.2, NM_001382658.3 and 2 more transcripts); c.1087del, p.Val363fs (NM_001382655.3); short protein forms V345fs, V363fs.
Identifiers: ClinVar variation 1411407 (VCV001411407.6), dbSNP rs1563433095, ClinGen allele CA575786405.

ClinVar aggregate classification (germline): Pathogenic (1 of 4 stars; one submission).

Conditions:
Congenital adrenal hyperplasia due to cytochrome P450 oxidoreductase deficiency. Also called: DISORDERED STEROIDOGENESIS DUE TO POR DEFICIENCY. Identifiers: Orphanet 95699, MedGen C1860042, MONDO:0013310, OMIM 613571.

Allele frequency attached by ClinVar (database versions not stated): TOPMed 0.00001; gnomAD 0.00002.

Submission:

Labcorp Genetics (formerly Invitae), Labcorp
Classification: Pathogenic for Congenital adrenal hyperplasia due to cytochrome P450 oxidoreductase deficiency. Last evaluated: 2021-09-04. Review status: criteria provided, single submitter. Criteria: Invitae Variant Classification Sherloc (09022015). Collection method: clinical testing. Allele origin: germline.
Comment: This variant has not been reported in the literature in individuals affected with POR-related conditions. For these reasons, this variant has been classified as Pathogenic. This variant is not present in population databases (ExAC no frequency). This sequence change creates a premature translational stop signal (p.Val348Serfs*4) in the POR gene. It is expected to result in an absent or disrupted protein product. Loss-of-function variants in POR are known to be pathogenic (PMID: 14758361, 20732302, 21741353).

Literature cited by the submitters: PubMed 14758361; PubMed 20732302; PubMed 21741353.